The following is an entry in ClinVar:

NM_020699.4(GATAD2B):c.735_736del (p.His245fs)

Gene: GATAD2B (GATA zinc finger domain containing 2B; minus strand). Cytogenetic location: 1q21.3.
Variant type: Microsatellite.
Coding change: c.735_736del on transcript NM_020699.4 (MANE Select); coding-DNA positions 735 to 736, 2 bases deleted (CA; older notation c.735_736delCA).
Protein change: p.His245fs; shifts the reading frame from histidine 245.
Molecular consequence: frameshift variant.
Genome position (GRCh38, 1-based): chr1:153,817,536-153,817,537, TG deleted on the plus strand (CA on the coding strand, the reverse complement: GATAD2B is on the minus strand); deleting any 2 consecutive bases within chr1:153,817,536-153,817,539 gives the same sequence; the c. name uses the placement nearest the transcript's 3' end. VCF-style (leftmost placement, unchanged base first): chr1-153817535-CTG-C. GRCh37 (hg19) VCF-style: chr1-153790011-CTG-C.
Other names: short protein forms H245fs.
Identifiers: ClinVar variation 4074366 (VCV004074366.1).

ClinVar aggregate classification (germline): Pathogenic (1 of 4 stars; one submission).

Submission:

GeneDx
Classification: Pathogenic. Last evaluated: 2025-02-07. Review status: criteria provided, single submitter. Criteria: GeneDx Variant Classification Process June 2021. Collection method: clinical testing. Allele origin: germline. Affected: yes.
Comment: Frameshift variant predicted to result in protein truncation or nonsense mediated decay in a gene for which loss-of-function is a known mechanism of disease; Not observed in large population cohorts (gnomAD); Has not been previously published as pathogenic or benign to our knowledge